The following is an entry in ClinVar:

NM_198253.3(TERT):c.636C>T (p.Val212=)

Gene: TERT (telomerase reverse transcriptase; minus strand). Cytogenetic location: 5p15.33.
Variant type: single nucleotide variant.
Coding change: c.636C>T on transcript NM_198253.3 (MANE Select); coding-DNA position 636, C replaced by T.
Protein change: p.Val212=; no amino-acid change (valine 212 retained).
Molecular consequence: synonymous variant. On other transcripts: non-coding transcript variant (2).
Genome position (GRCh38, 1-based): chr5:1,294,250, G>A on the plus strand (C>T on the coding strand, the complement: TERT is on the minus strand). VCF-style: chr5-1294250-G-A. GRCh37 (hg19) VCF-style: chr5-1294365-G-A.
Other names: c.636C>T, p.Val212= (NM_001193376.3).
Identifiers: ClinVar variation 1584605 (VCV001584605.12), dbSNP rs762440833, ClinGen allele CA3184942.

ClinVar aggregate classification (germline): Likely benign. Review status: criteria provided, multiple submitters, no conflicts (2 of 4 stars). 3 submissions from 3 submitters: Likely benign (2). 1 of the submissions does not count toward it. Last evaluated 2025-12-08.

Conditions:
Idiopathic Pulmonary Fibrosis. Also called: Idiopathic fibrosing alveolitis, chronic form; idiopathic fibrosing alveolitis. Identifiers: Orphanet 2032, MedGen C1800706, MeSH D054990, MONDO:0800504.
Dyskeratosis congenita, autosomal dominant 2. Identifiers: MedGen C3151443, MONDO:0013521, OMIM 613989.
TERT-related disorder. Also called: TERT-related disorders; TERT-related condition.
Dyskeratosis congenita. Identifiers: Orphanet 1775, MedGen C0265965, MONDO:0015780.

Allele frequency attached by ClinVar (database versions not stated): ExAC 0.00002; gnomAD 0.00002; TOPMed 0.00002; gnomAD exomes 0.00001.
gnomAD v4.1: 9 of 1,590,304 alleles (0.00057%); highest among the groups gnomAD compares: East Asian, 0.0023%; no homozygotes.

Submissions (3):

Labcorp Genetics (formerly Invitae), Labcorp
Classification: Likely benign for Dyskeratosis congenita, autosomal dominant 2; Idiopathic Pulmonary Fibrosis. Last evaluated: 2025-12-08. Review status: criteria provided, single submitter. Criteria: Invitae Variant Classification Sherloc (09022015). Collection method: clinical testing. Allele origin: germline.

Ambry Genetics
Classification: Likely benign for Dyskeratosis congenita. Last evaluated: 2022-04-25. Review status: criteria provided, single submitter. Criteria: Ambry Variant Classification Scheme 2023. Collection method: clinical testing. Allele origin: germline.

PreventionGenetics, part of Exact Sciences
Classification: Likely benign for TERT-related condition. Last evaluated: 2024-02-15. Review status: no assertion criteria provided. Collection method: clinical testing. Allele origin: germline. Not counted in ClinVar's aggregate classification.
Comment: This variant is classified as likely benign based on ACMG/AMP sequence variant interpretation guidelines (Richards et al. 2015 PMID: 25741868, with internal and published modifications).